The following is an entry in ClinVar:

NM_001386298.1(CIC):c.2936A>C (p.Gln979Pro)

Gene: CIC (capicua transcriptional repressor; plus strand). Cytogenetic location: 19q13.2.
Variant type: single nucleotide variant.
Coding change: c.2936A>C on transcript NM_001386298.1 (MANE Select); coding-DNA position 2936, A replaced by C.
Protein change: p.Gln979Pro; replaces glutamine 979 with proline.
Molecular consequence: missense variant.
Genome position (GRCh38, 1-based): chr19:42,286,912, A>C. VCF-style: chr19-42286912-A-C. GRCh37 (hg19) VCF-style: chr19-42791064-A-C.
Other names: c.2936A>C, p.Gln979Pro (NM_001304815.2, NM_001379480.1, NM_001379482.1); c.209A>C, p.Gln70Pro (NM_001379484.1, NM_001379485.1, NM_015125.5); short protein forms Q70P, Q979P.
Identifiers: ClinVar variation 1517882 (VCV001517882.9), dbSNP rs767724604, ClinGen allele CA406096318.

ClinVar aggregate classification (germline): Uncertain significance (1 of 4 stars; one submission).

Submission:

Labcorp Genetics (formerly Invitae), Labcorp
Classification: Uncertain significance. Last evaluated: 2020-12-30. Review status: criteria provided, single submitter. Criteria: Invitae Variant Classification Sherloc (09022015). Collection method: clinical testing. Allele origin: germline.
Comment: In summary, the available evidence is currently insufficient to determine the role of this variant in disease. Therefore, it has been classified as a Variant of Uncertain Significance. Algorithms developed to predict the effect of missense changes on protein structure and function are either unavailable or do not agree on the potential impact of this missense change (SIFT: "Deleterious"; PolyPhen-2: "Benign"; Align-GVGD: "Class C0"). This variant has not been reported in the literature in individuals with CIC-related conditions. This variant is not present in population databases (ExAC no frequency). This sequence change replaces glutamine with proline at codon 70 of the CIC protein (p.Gln70Pro). The glutamine residue is moderately conserved and there is a moderate physicochemical difference between glutamine and proline.